The following is an entry in ClinVar:

ClinVar aggregate classification (germline): Uncertain significance (1 of 4 stars; one submission).

Allele frequency attached by ClinVar (database versions not stated): ExAC 0.00003; gnomAD 0.00003; gnomAD exomes 0.00003; TOPMed 0.00003; 1000 Genomes Project 0.00020.
gnomAD v4.1: 45 of 1,613,180 alleles (0.0028%); highest among the groups gnomAD compares: Non-Finnish European, 0.0036%; no homozygotes.

Submission:

Labcorp Genetics (formerly Invitae), Labcorp
Classification: Uncertain significance. Last evaluated: 2023-08-10. Review status: criteria provided, single submitter. Criteria: Invitae Variant Classification Sherloc (09022015). Collection method: clinical testing. Allele origin: germline.
Comment: Advanced modeling of protein sequence and biophysical properties (such as structural, functional, and spatial information, amino acid conservation, physicochemical variation, residue mobility, and thermodynamic stability) performed at Invitae indicates that this missense variant is not expected to disrupt QRSL1 protein function. This sequence change replaces lysine, which is basic and polar, with threonine, which is neutral and polar, at codon 107 of the QRSL1 protein (p.Lys107Thr). This variant is present in population databases (rs560482009, gnomAD 0.005%). This variant has not been reported in the literature in individuals affected with QRSL1-related conditions. ClinVar contains an entry for this variant (Variation ID: 2066938). In summary, the available evidence is currently insufficient to determine the role of this variant in disease. Therefore, it has been classified as a Variant of Uncertain Significance.

NM_018292.5(QRSL1):c.320A>C (p.Lys107Thr)

Gene: QRSL1 (glutaminyl-tRNA amidotransferase subunit QRSL1; plus strand). Cytogenetic location: 6q21.
Variant type: single nucleotide variant.
Coding change: c.320A>C on transcript NM_018292.5 (MANE Select); coding-DNA position 320, A replaced by C.
Protein change: p.Lys107Thr; replaces lysine 107 with threonine.
Molecular consequence: missense variant.
Genome position (GRCh38, 1-based): chr6:106,643,030, A>C. VCF-style: chr6-106643030-A-C. GRCh37 (hg19) VCF-style: chr6-107090905-A-C.
Other names: short protein forms K107T.
Identifiers: ClinVar variation 2066938 (VCV002066938.2), dbSNP rs560482009, ClinGen allele CA3944734.
Genomic context (GRCh38, chr6:106,643,030, plus strand): 5'-TAATAGTAACTAAATTTTTTTCAGGTTATATACCACCTTATAATGCTACAGTAGTTCAGA[A>C]GTTGTTGGATCAGGGAGCTCTACTAATGGGAAAAACAAATTTAGATGAGTTTGCTATGGG-3'
Protein context (NP_060762.3, residues 97-117): IPPYNATVVQ[Lys107Thr]LLDQGALLMG